The following is an entry in ClinVar:

NM_005592.4(MUSK):c.2128G>C (p.Ala710Pro)

Gene: MUSK (muscle associated receptor tyrosine kinase; plus strand). Cytogenetic location: 9q31.3.
Variant type: single nucleotide variant.
Coding change: c.2128G>C on transcript NM_005592.4 (MANE Select); coding-DNA position 2128, G replaced by C.
Protein change: p.Ala710Pro; replaces alanine 710 with proline.
Molecular consequence: missense variant.
Genome position (GRCh38, 1-based): chr9:110,800,506, G>C. VCF-style: chr9-110800506-G-C. GRCh37 (hg19) VCF-style: chr9-113562786-G-C.
Other names: c.1870G>C, p.Ala624Pro (NM_001166280.2); c.1840G>C, p.Ala614Pro (NM_001166281.2); c.868G>C, p.Ala290Pro (NM_001369398.1); short protein forms A290P, A614P, A624P, A710P.
Identifiers: ClinVar variation 3757745 (VCV003757745.2).

ClinVar aggregate classification (germline): Uncertain significance (1 of 4 stars; one submission).

Conditions:
Fetal akinesia deformation sequence 1 (FADS1). Also called: Pena-Shokeir syndrome type I; Fetal akinesia sequence. Identifiers: Orphanet 994, MedGen C1276035, MONDO:0100101, OMIM 208150, HP:0001989.
Congenital myasthenic syndrome 9. Also called: Myasthenic syndrome, congenital, 9, associated with acetylcholine receptor deficiency. Identifiers: Orphanet 590, MedGen C4225368, MONDO:0014587, OMIM 616325.

Submission:

Labcorp Genetics (formerly Invitae), Labcorp
Classification: Uncertain significance for Congenital myasthenic syndrome 9; Fetal akinesia deformation sequence 1. Last evaluated: 2024-08-31. Review status: criteria provided, single submitter. Criteria: Invitae Variant Classification Sherloc (09022015). Collection method: clinical testing. Allele origin: germline.
Comment: This sequence change replaces alanine, which is neutral and non-polar, with proline, which is neutral and non-polar, at codon 710 of the MUSK protein (p.Ala710Pro). This variant is not present in population databases (gnomAD no frequency). This variant has not been reported in the literature in individuals affected with MUSK-related conditions. Invitae Evidence Modeling of protein sequence and biophysical properties (such as structural, functional, and spatial information, amino acid conservation, physicochemical variation, residue mobility, and thermodynamic stability) indicates that this missense variant is expected to disrupt MUSK protein function with a positive predictive value of 80%. In summary, the available evidence is currently insufficient to determine the role of this variant in disease. Therefore, it has been classified as a Variant of Uncertain Significance.